The following is an entry in ClinVar:

ClinVar aggregate classification (germline): Pathogenic/Likely pathogenic. Review status: criteria provided, multiple submitters, no conflicts (2 of 4 stars). 3 submissions from 3 submitters: Pathogenic (2); Likely pathogenic (1). Last evaluated 2022-12-21.

Conditions:
Neurofibromatosis, type 1 (NF1). Also called: NEUROFIBROMATOSIS, TYPE I, SOMATIC; VON RECKLINGHAUSEN DISEASE; Peripheral type neurofibromatosis; Neurofibromatosis, type I. Identifiers: Orphanet 636, MedGen C0027831, MONDO:0018975, OMIM 162200. Disease mechanism: loss of function.

Submissions (3):

Labcorp Genetics (formerly Invitae), Labcorp
Classification: Pathogenic for Neurofibromatosis, type 1. Last evaluated: 2022-12-21. Review status: criteria provided, single submitter. Criteria: Invitae Variant Classification Sherloc (09022015). Collection method: clinical testing. Allele origin: germline.
Comment: This sequence change affects an acceptor splice site in intron 22 of the NF1 gene. RNA analysis indicates that disruption of this splice site induces altered splicing and likely results in a shortened protein product. This variant is not present in population databases (gnomAD no frequency). Disruption of this splice site has been observed in individual(s) with neurofibromatosis type 1 (PMID: 10543400, 10712197, 29673180). ClinVar contains an entry for this variant (Variation ID: 547620). Studies have shown that disruption of this splice site results in skipping of exon 23, but is expected to preserve the integrity of the reading-frame (Invitae). This variant disrupts a region of the NF1 protein in which other variant(s) (p.Arg1000Pro) have been determined to be pathogenic (Invitae). This suggests that this is a clinically significant region of the protein, and that variants that disrupt it are likely to be disease-causing. For these reasons, this variant has been classified as Pathogenic.

GeneDx
Classification: Pathogenic. Last evaluated: 2022-03-10. Review status: criteria provided, single submitter. Criteria: GeneDx Variant Classification Process June 2021. Collection method: clinical testing. Allele origin: germline. Affected: yes.
Comment: Canonical splice site variant predicted to result in an in-frame deletion of the adjacent exon; Deletions involving coding exons of this gene are a known mechanism of disease (HGMD); Not observed at significant frequency in large population cohorts (gnomAD); Has not been previously published as pathogenic or benign to our knowledge

Center for Human Genetics, Inc
Classification: Likely pathogenic for Neurofibromatosis, type 1. Last evaluated: 2016-11-01. Review status: criteria provided, single submitter. Criteria: ACMG Guidelines, 2015. Collection method: clinical testing. Allele origin: germline. Affected: yes.

Literature cited by the submitters: PubMed 10543400 (cited by Labcorp Genetics (formerly Invitae), Labcorp); PubMed 10712197 (cited by Labcorp Genetics (formerly Invitae), Labcorp); PubMed 29673180 (cited by Labcorp Genetics (formerly Invitae), Labcorp).

NM_001042492.3(NF1):c.2991-2A>C

Gene: NF1 (neurofibromin 1; plus strand). Cytogenetic location: 17q11.2.
Variant type: single nucleotide variant.
Coding change: c.2991-2A>C on transcript NM_001042492.3 (MANE Select); the canonical splice acceptor site of the intron before coding-DNA position 2991, A replaced by C.
Molecular consequence: splice acceptor variant.
Genome position (GRCh38, 1-based): chr17:31,230,258, A>C. VCF-style: chr17-31230258-A-C. GRCh37 (hg19) VCF-style: chr17-29557276-A-C.
Other names: c.2991-2A>C (NM_000267.4).
Identifiers: ClinVar variation 547620 (VCV000547620.6), dbSNP rs1555614495, ClinGen allele CA398986491.